The following is an entry in ClinVar:

ClinVar aggregate classification (germline): Uncertain significance. Review status: criteria provided, multiple submitters, no conflicts (2 of 4 stars). 2 submissions from 2 submitters: Uncertain significance (2). Last evaluated 2025-06-12.

Conditions:
Inborn genetic diseases. Identifiers: MedGen C0950123, MeSH D030342.
Primary ciliary dyskinesia 16. Also called: CILIARY DYSKINESIA, PRIMARY, 16, WITH OR WITHOUT SITUS INVERSUS. Identifiers: Orphanet 244, MedGen C3151460, MONDO:0013525, OMIM 614017.

gnomAD v4.1: 2 of 1,568,306 alleles (0.00013%); highest among the groups gnomAD compares: Non-Finnish European, 0.00017%; no homozygotes.

Submissions (2):

ARUP Laboratories, Molecular Genetics and Genomics, ARUP Laboratories
Classification: Uncertain significance for Primary ciliary dyskinesia 16. Last evaluated: 2025-06-12. Review status: criteria provided, single submitter. Criteria: ARUP Molecular Germline Variant Investigation Process 2024. Collection method: clinical testing. Allele origin: germline.
Comment: The DNAL1 c.469T>G; p.Ser157Ala variant (rs776888880), to our knowledge, is not reported in the medical literature but is reported in ClinVar (Variation ID: 2317773). This variant is absent from the Genome Aggregation Database (v2.1.1), indicating it is not a common polymorphism. Computational analyses predict that this variant is neutral (REVEL: 0.066). Due to limited information, the clinical significance of this variant is uncertain at this time.

Ambry Genetics
Classification: Uncertain significance for Inborn genetic diseases. Last evaluated: 2022-10-06. Review status: criteria provided, single submitter. Criteria: Ambry Variant Classification Scheme 2023. Collection method: clinical testing. Allele origin: germline.

NM_031427.4(DNAL1):c.469T>G (p.Ser157Ala)

Gene: DNAL1 (dynein axonemal light chain 1; plus strand). Cytogenetic location: 14q24.3.
Variant type: single nucleotide variant.
Coding change: c.469T>G on transcript NM_031427.4 (MANE Select); coding-DNA position 469, T replaced by G.
Protein change: p.Ser157Ala; replaces serine 157 with alanine.
Molecular consequence: missense variant.
Genome position (GRCh38, 1-based): chr14:73,689,452, T>G. VCF-style: chr14-73689452-T-G. GRCh37 (hg19) VCF-style: chr14-74156155-T-G.
Other names: c.352T>G, p.Ser118Ala (NM_001201366.2); short protein forms S118A, S157A.
Identifiers: ClinVar variation 2317773 (VCV002317773.3), dbSNP rs776888880, ClinGen allele CA263515794.